The following is an entry in ClinVar:

ClinVar aggregate classification (germline): Pathogenic (1 of 4 stars; one submission).

Conditions:
Autosomal recessive distal spinal muscular atrophy 1. Also called: SEVERE INFANTILE AXONAL NEUROPATHY WITH RESPIRATORY FAILURE; SPINAL MUSCULAR ATROPHY, DIAPHRAGMATIC; Spinal muscular atrophy with respiratory distress 1; HMN VI; NEURONOPATHY, SEVERE INFANTILE AXONAL, WITH RESPIRATORY FAILURE; NEURONOPATHY, DISTAL HEREDITARY MOTOR, HARDING TYPE VI. Identifiers: Orphanet 98920, MedGen C1858517, MONDO:0011436, OMIM 604320.
Charcot-Marie-Tooth disease axonal type 2S. Also called: CHARCOT-MARIE-TOOTH NEUROPATHY, TYPE 2S; CHARCOT-MARIE-TOOTH DISEASE, AXONAL, AUTOSOMAL RECESSIVE, TYPE 2S. Identifiers: Orphanet 443073, MedGen C4015349, MONDO:0014511, OMIM 616155.

Submission:

Labcorp Genetics (formerly Invitae), Labcorp
Classification: Pathogenic for Autosomal recessive distal spinal muscular atrophy 1; Charcot-Marie-Tooth disease axonal type 2S. Last evaluated: 2022-06-03. Review status: criteria provided, single submitter. Criteria: Invitae Variant Classification Sherloc (09022015). Collection method: clinical testing. Allele origin: germline.
Comment: For these reasons, this variant has been classified as Pathogenic. ClinVar contains an entry for this variant (Variation ID: 969391). This variant has not been reported in the literature in individuals affected with IGHMBP2-related conditions. This variant is not present in population databases (gnomAD no frequency). This sequence change creates a premature translational stop signal (p.Val225Leufs*8) in the IGHMBP2 gene. It is expected to result in an absent or disrupted protein product. Loss-of-function variants in IGHMBP2 are known to be pathogenic (PMID: 14681881, 25439726, 25568292).

Literature cited by the submitters: PubMed 14681881; PubMed 25439726; PubMed 25568292.

NM_002180.3(IGHMBP2):c.673del (p.Val225fs)

Gene: IGHMBP2 (immunoglobulin mu DNA binding protein 2; plus strand). Cytogenetic location: 11q13.3.
Variant type: Deletion.
Coding change: c.673del on transcript NM_002180.3 (MANE Select); coding-DNA position 673, one base deleted (G; older notation c.673delG).
Protein change: p.Val225fs; shifts the reading frame from valine 225.
Molecular consequence: frameshift variant.
Genome position (GRCh38, 1-based): chr11:68,911,565, G deleted; the last of 2 consecutive G bases (chr11:68,911,564-68,911,565); deleting either gives the same sequence. VCF-style (leftmost placement, unchanged base first): chr11-68911563-TG-T. GRCh37 (hg19) VCF-style: chr11-68679031-TG-T.
Other names: short protein forms V225fs.
Identifiers: ClinVar variation 969391 (VCV000969391.8), dbSNP rs1858438320, ClinGen allele CA1139662069.